The following is an entry in ClinVar:

ClinVar aggregate classification (germline): Uncertain significance (1 of 4 stars; one submission).

gnomAD v4.1: 7 of 1,211,214 alleles (0.00058%); highest among the groups gnomAD compares: African/African-American, 0.0032%; no homozygotes.

Submission:

CeGaT Center for Human Genetics Tuebingen
Classification: Uncertain significance. Last evaluated: 2024-08-01. Review status: criteria provided, single submitter. Criteria: CeGaT Center For Human Genetics Tuebingen Variant Classification Criteria Version 2. Collection method: clinical testing. Allele origin: germline. Affected: yes. Observed: 1 variant allele.
Comment: SMARCD2: PM2

NM_001098426.2(SMARCD2):c.140C>T (p.Pro47Leu)

Genes: SMARCD2 (SWI/SNF related BAF chromatin remodeling complex subunit D2; minus strand), LOC130061409 (ATAC-STARR-seq lymphoblastoid silent region 8832; plus strand). Cytogenetic location: 17q23.3.
Variant type: single nucleotide variant.
Coding change: c.140C>T on transcript NM_001098426.2 (MANE Select); coding-DNA position 140, C replaced by T.
Protein change: p.Pro47Leu; replaces proline 47 with leucine.
Molecular consequence: missense variant.
Genome position (GRCh38, 1-based): chr17:63,842,535, G>A on the plus strand (C>T on the coding strand, the complement: SMARCD2 is on the minus strand). VCF-style: chr17-63842535-G-A. GRCh37 (hg19) VCF-style: chr17-61919895-G-A.
Other names: short protein forms P47L.
Identifiers: ClinVar variation 3341904 (VCV003341904.16).